The following is an entry in ClinVar:

NM_001440.4(EXTL3):c.868_885del (p.Asn290_Arg295del)

Gene: EXTL3 (exostosin like glycosyltransferase 3; plus strand). Cytogenetic location: 8p21.1.
Variant type: Deletion.
Coding change: c.868_885del on transcript NM_001440.4 (MANE Select); coding-DNA positions 868 to 885, 18 bases deleted (AACGTCAGTACTGGCCGT).
Protein change: p.Asn290_Arg295del.
Molecular consequence: inframe deletion.
Genome position (GRCh38, 1-based): chr8:28,716,927-28,716,944, AACGTCAGTACTGGCCGT deleted; deleting any 18 consecutive bases within chr8:28,716,926-28,716,944 gives the same sequence; the c. name uses the placement nearest the transcript's 3' end. VCF-style (leftmost placement, unchanged base first): chr8-28716925-ATAACGTCAGTACTGGCCG-A. GRCh37 (hg19) VCF-style: chr8-28574442-ATAACGTCAGTACTGGCCG-A.
Identifiers: ClinVar variation 2004083 (VCV002004083.4), dbSNP rs2486623430, ClinGen allele CA2580078099.

ClinVar aggregate classification (germline): Uncertain significance (1 of 4 stars; one submission).

Submission:

Labcorp Genetics (formerly Invitae), Labcorp
Classification: Uncertain significance. Last evaluated: 2022-06-09. Review status: criteria provided, single submitter. Criteria: Invitae Variant Classification Sherloc (09022015). Collection method: clinical testing. Allele origin: germline.
Comment: This variant, c.868_885del, results in the deletion of 6 amino acid(s) of the EXTL3 protein (p.Asn290_Arg295del), but otherwise preserves the integrity of the reading frame. In summary, the available evidence is currently insufficient to determine the role of this variant in disease. Therefore, it has been classified as a Variant of Uncertain Significance. Experimental studies and prediction algorithms are not available or were not evaluated, and the functional significance of this variant is currently unknown. This variant has not been reported in the literature in individuals affected with EXTL3-related conditions. This variant is not present in population databases (gnomAD no frequency).